The following is an entry in ClinVar:

NM_006509.4(RELB):c.1219G>A (p.Val407Met)

Gene: RELB (RELB proto-oncogene, NF-kB subunit; plus strand). Cytogenetic location: 19q13.32.
Variant type: single nucleotide variant.
Coding change: c.1219G>A on transcript NM_006509.4 (MANE Select); coding-DNA position 1219, G replaced by A.
Protein change: p.Val407Met; replaces valine 407 with methionine.
Molecular consequence: missense variant.
Genome position (GRCh38, 1-based): chr19:45,034,255, G>A. VCF-style: chr19-45034255-G-A. GRCh37 (hg19) VCF-style: chr19-45537513-G-A.
Other names: c.1210G>A, p.Val404Met (NM_001411087.1); short protein forms V404M, V407M.
Identifiers: ClinVar variation 1962927 (VCV001962927.5), dbSNP rs2513659065, ClinGen allele CA406306677.

ClinVar aggregate classification (germline): Uncertain significance (1 of 4 stars; one submission).

Allele frequency attached by ClinVar (database versions not stated): gnomAD exomes 0.00001.
gnomAD v4.1: 9 of 1,613,750 alleles (0.00056%); highest among the groups gnomAD compares: East Asian, 0.0022%; no homozygotes.

Submission:

Labcorp Genetics (formerly Invitae), Labcorp
Classification: Uncertain significance. Last evaluated: 2022-07-14. Review status: criteria provided, single submitter. Criteria: Invitae Variant Classification Sherloc (09022015). Collection method: clinical testing. Allele origin: germline.
Comment: In summary, the available evidence is currently insufficient to determine the role of this variant in disease. Therefore, it has been classified as a Variant of Uncertain Significance. Algorithms developed to predict the effect of missense changes on protein structure and function are either unavailable or do not agree on the potential impact of this missense change (SIFT: "Deleterious"; PolyPhen-2: "Probably Damaging"; Align-GVGD: "Class C0"). This variant has not been reported in the literature in individuals affected with RELB-related conditions. This variant is not present in population databases (gnomAD no frequency). This sequence change replaces valine, which is neutral and non-polar, with methionine, which is neutral and non-polar, at codon 407 of the RELB protein (p.Val407Met).